The following is an entry in ClinVar:

NM_021072.4(HCN1):c.2636C>G (p.Pro879Arg)

Gene: HCN1 (hyperpolarization activated cyclic nucleotide gated potassium channel 1; minus strand). Cytogenetic location: 5p12.
Variant type: single nucleotide variant.
Coding change: c.2636C>G on transcript NM_021072.4 (MANE Select); coding-DNA position 2636, C replaced by G.
Protein change: p.Pro879Arg; replaces proline 879 with arginine.
Molecular consequence: missense variant.
Genome position (GRCh38, 1-based): chr5:45,261,958, G>C on the plus strand (C>G on the coding strand, the complement: HCN1 is on the minus strand). VCF-style: chr5-45261958-G-C. GRCh37 (hg19) VCF-style: chr5-45262060-G-C.
Other names: short protein forms P879R.
Identifiers: ClinVar variation 2801973 (VCV002801973.3), dbSNP rs774478577, ClinGen allele CA359702952.

ClinVar aggregate classification (germline): Uncertain significance (1 of 4 stars; one submission).

Conditions:
Early-infantile DEE. Also called: Early infantile epileptic encephalopathy; Early infantile epileptic encephalopathy with suppression bursts; Ohtahara syndrome. Identifiers: Orphanet 1934, MedGen C0393706, MONDO:0800491.

Submission:

Labcorp Genetics (formerly Invitae), Labcorp
Classification: Uncertain significance for Early-infantile DEE. Last evaluated: 2023-02-03. Review status: criteria provided, single submitter. Criteria: Invitae Variant Classification Sherloc (09022015). Collection method: clinical testing. Allele origin: germline.
Comment: In summary, the available evidence is currently insufficient to determine the role of this variant in disease. Therefore, it has been classified as a Variant of Uncertain Significance. Advanced modeling of protein sequence and biophysical properties (such as structural, functional, and spatial information, amino acid conservation, physicochemical variation, residue mobility, and thermodynamic stability) performed at Invitae indicates that this missense variant is not expected to disrupt HCN1 protein function. This variant has not been reported in the literature in individuals affected with HCN1-related conditions. This variant is not present in population databases (gnomAD no frequency). This sequence change replaces proline, which is neutral and non-polar, with arginine, which is basic and polar, at codon 879 of the HCN1 protein (p.Pro879Arg).